The following is an entry in ClinVar:

NM_001267550.2(TTN):c.4671G>A (p.Met1557Ile)

Genes: TTN (titin; minus strand), LOC101927055 (uncharacterized LOC101927055; plus strand). Cytogenetic location: 2q31.2.
Variant type: single nucleotide variant.
Coding change: c.4671G>A on transcript NM_001267550.2 (MANE Select); coding-DNA position 4671, G replaced by A.
Protein change: p.Met1557Ile; replaces methionine 1557 with isoleucine.
Molecular consequence: missense variant. On other transcripts: non-coding transcript variant (1).
Genome position (GRCh38, 1-based): chr2:178,777,292, C>T on the plus strand (G>A on the coding strand, the complement: TTN is on the minus strand). VCF-style: chr2-178777292-C-T. GRCh37 (hg19) VCF-style: chr2-179642019-C-T.
Other names: p.M1557I:ATG>ATA; c.4671G>A, p.Met1557Ile (NM_133379.5, NM_001256850.1, NM_133378.4); c.4533G>A, p.Met1511Ile (NM_133432.3, NM_133437.4, NM_003319.4); short protein forms M1557I, M1511I.
Identifiers: ClinVar variation 166318 (VCV000166318.40), dbSNP rs139192633, ClinGen allele CA179317.

ClinVar aggregate classification (germline): Conflicting classifications of pathogenicity. Review status: criteria provided, conflicting classifications (1 of 4 stars). 12 submissions from 12 submitters: Uncertain significance (1); Benign (1); Likely benign (9). 1 of the submissions does not count toward it. Last evaluated 2026-07-01.

Conditions:
TTN-related disorder. Also called: TTN-related disorders; TTN-related condition; TTN-related disease.
Cardiovascular phenotype. Identifiers: MedGen CN230736.
Autosomal recessive limb-girdle muscular dystrophy type 2J (LGMDR10). Also called: Limb-girdle muscular dystrophy, type 2J; MUSCULAR DYSTROPHY, LIMB-GIRDLE, AUTOSOMAL RECESSIVE 10. Identifiers: Orphanet 140922, MedGen C1837342, MONDO:0012127, OMIM 608807.
Dilated cardiomyopathy 1G (CMD1G). Identifiers: Orphanet 154, MedGen C1858763, MONDO:0011400, OMIM 604145.

Allele frequency attached by ClinVar (database versions not stated): gnomAD exomes 0.00011 and 0.00027; 1000 Genomes Project 0.00020; ExAC 0.00027; 1000 Genomes Project 30x 0.00047; gnomAD 0.00091 and 0.00097; ESP Exome Variant Server 0.00115; TOPMed 0.00124.

Submissions (12):

CeGaT Center for Human Genetics Tuebingen
Classification: Likely benign. Last evaluated: 2026-07-01. Review status: criteria provided, single submitter. Criteria: CeGaT Center For Human Genetics Tuebingen Variant Classification Criteria Version 2. Collection method: clinical testing. Allele origin: germline. Affected: yes. Observed: 1 variant allele.
Comment: TTN: BP4

Women's Health and Genetics/Laboratory Corporation of America, LabCorp
Classification: Likely benign. Last evaluated: 2026-06-17. Review status: criteria provided, single submitter. Criteria: LabCorp Variant Classification Summary - May 2015. Collection method: clinical testing. Allele origin: germline.
Comment: Variant summary: TTN c.4671G>A (p.Met1557Ile) results in a conservative amino acid change in the encoded protein sequence. Algorithms developed to predict the effect of missense changes on protein structure and function all suggest that this variant is likely to be tolerated. The variant allele was found at a frequency of 0.00027 in 250408 control chromosomes, predominantly at a frequency of 0.0035 within the African or African-American subpopulation in the gnomAD database. The observed variant frequency within African or African-American control individuals in the gnomAD database exceeds the estimated maximal expected allele frequency for disease-causing variants in TTN. c.4671G>A has been observed in a sudden infant death case with other co-occurring variants (Campuzano_2018). This report does not provide unequivocal conclusions about association of the variant with Dilated Cardiomyopathy. To our knowledge, no experimental evidence demonstrating an impact on protein function has been reported. The following publication have been ascertained in the context of this evaluation (PMID: 30086531). ClinVar contains an entry for this variant (Variation ID: 166318). Based on the evidence outlined above, the variant was classified as likely benign.

Labcorp Genetics (formerly Invitae), Labcorp
Classification: Likely benign for Dilated cardiomyopathy 1G; Autosomal recessive limb-girdle muscular dystrophy type 2J. Last evaluated: 2026-01-27. Review status: criteria provided, single submitter. Criteria: Invitae Variant Classification Sherloc (09022015). Collection method: clinical testing. Allele origin: germline.

Molecular Diagnostic Laboratory for Inherited Cardiovascular Disease, Montreal Heart Institute
Classification: Likely benign. Last evaluated: 2025-04-09. Review status: criteria provided, single submitter. Criteria: ACMG Guidelines, 2015. Collection method: clinical testing. Allele origin: germline. Affected: no.
Comment: BS1;BP1;BP6

Blueprint Genetics
Classification: Likely benign. Last evaluated: 2024-09-02. Review status: criteria provided, single submitter. Criteria: ACMG Guidelines, 2015. Collection method: clinical testing. Allele origin: germline.

GeneDx
Classification: Likely benign. Last evaluated: 2021-02-12. Review status: criteria provided, single submitter. Criteria: GeneDx Variant Classification Process June 2021. Collection method: clinical testing. Allele origin: germline. Affected: yes.

ARUP Laboratories, Molecular Genetics and Genomics, ARUP Laboratories
Classification: Uncertain significance. Last evaluated: 2019-08-02. Review status: criteria provided, single submitter. Criteria: ARUP Molecular Germline Variant Investigation Process. Collection method: clinical testing. Allele origin: germline.

Ambry Genetics
Classification: Likely benign for Cardiovascular phenotype. Last evaluated: 2018-10-23. Review status: criteria provided, single submitter. Criteria: Ambry Variant Classification Scheme 2023. Collection method: clinical testing. Allele origin: germline.

Athena Diagnostics
Classification: Benign. Last evaluated: 2017-01-24. Review status: criteria provided, single submitter. Criteria: Athena Diagnostics Criteria. Collection method: clinical testing. Allele origin: germline.

Eurofins Ntd Llc (ga)
Classification: Likely benign. Last evaluated: 2016-09-29. Review status: criteria provided, single submitter. Criteria: EGL Classification Definitions 2015. Collection method: clinical testing. Allele origin: germline. Observed: 1 variant allele, 1 heterozygote.

Laboratory for Molecular Medicine, Mass General Brigham Personalized Medicine
Classification: Likely benign. Last evaluated: 2012-03-19. Review status: criteria provided, single submitter. Criteria: LMM Criteria. Collection method: clinical testing. Allele origin: germline. Observed: 1 variant allele.
Comment: Met1557Ile in exon 27 of TTN: This variant is not expected to have clinical sign ificance because it has been identified in 0.3% (12/3738) of African American ch romosomes from a broad population by the NHLBI Exome Sequencing Project (dbSNP rs139192633).

PreventionGenetics, part of Exact Sciences
Classification: Likely benign for TTN-related condition. Last evaluated: 2021-12-15. Review status: no assertion criteria provided. Collection method: clinical testing. Allele origin: germline. Not counted in ClinVar's aggregate classification.
Comment: This variant is classified as likely benign based on ACMG/AMP sequence variant interpretation guidelines (Richards et al. 2015 PMID: 25741868, with internal and published modifications).

Literature cited by the submitters: PubMed 30086531 (cited by Women's Health and Genetics/Laboratory Corporation of America, LabCorp).